The following is an entry in ClinVar:

ClinVar aggregate classification (germline): Benign (1 of 4 stars; one submission).

Conditions:
MELAS syndrome (MELAS). Also called: Juvenile myopathy, encephalopathy, lactic acidosis, stroke. Identifiers: Orphanet 550, MedGen C0162671, MONDO:0010789, OMIM 540000.

Submission:

Wong Mito Lab, Molecular and Human Genetics, Baylor College of Medicine
Classification: Benign for MELAS syndrome. Last evaluated: 2019-07-12. Review status: criteria provided, single submitter. Criteria: Modified ACMG Guidelines (Unpublished). Collection method: clinical testing. Allele origin: germline.
Comment: The NC_012920.1:m.12142A>G variant in MT-TH gene is interpreted to be a Benign variant based on the modified ACMG guidelines (unpublished). This variant meets the following evidence codes reported in the guidelines: BS1, BS2, BP4

Literature cited by the submitters: PubMed 31965079.

NC_012920.1(MT-TH):m.12142A>G

Gene: MT-TH (mitochondrially encoded tRNA histidine; plus strand).
Variant type: single nucleotide variant.
Genome position: chrM-12142-A-G.
Identifiers: ClinVar variation 690130 (VCV000690130.1), dbSNP rs1603223566, ClinGen allele CA913169479.